The following is an entry in ClinVar:

ClinVar aggregate classification (germline): Uncertain significance (1 of 4 stars; one submission).

Conditions:
Gorlin syndrome. Also called: Nevoid Basal Cell Carcinoma Syndrome; Basal cell nevus syndrome. Identifiers: Orphanet 377, MedGen C0004779, MONDO:0007187.
Medulloblastoma (MDB). Also called: MEDULLOBLASTOMA PREDISPOSITION SYNDROME; Medulloblastoma, somatic. Identifiers: Orphanet 616, MedGen C0025149, MeSH D008527, MONDO:0007959, OMIM 155255, HP:0002885.

Submission:

Labcorp Genetics (formerly Invitae), Labcorp
Classification: Uncertain significance for Gorlin syndrome; Medulloblastoma. Last evaluated: 2025-05-05. Review status: criteria provided, single submitter. Criteria: Invitae Variant Classification Sherloc (09022015). Collection method: clinical testing. Allele origin: germline.
Comment: This sequence change replaces histidine, which is basic and polar, with glutamine, which is neutral and polar, at codon 484 of the SUFU protein (p.His484Gln). This variant is not present in population databases (gnomAD no frequency). This variant has not been reported in the literature in individuals affected with SUFU-related conditions. An algorithm developed to predict the effect of missense changes on protein structure and function (PolyPhen-2) suggests that this variant is likely to be tolerated. In summary, the available evidence is currently insufficient to determine the role of this variant in disease. Therefore, it has been classified as a Variant of Uncertain Significance.

NM_016169.4(SUFU):c.1452C>G (p.His484Gln)

Gene: SUFU (SUFU negative regulator of hedgehog signaling; plus strand). Cytogenetic location: 10q24.32.
Variant type: single nucleotide variant.
Coding change: c.1452C>G on transcript NM_016169.4 (MANE Select); coding-DNA position 1452, C replaced by G.
Protein change: p.His484Gln; replaces histidine 484 with glutamine.
Molecular consequence: missense variant.
Genome position (GRCh38, 1-based): chr10:102,630,152, C>G. VCF-style: chr10-102630152-C-G. GRCh37 (hg19) VCF-style: chr10-104389909-C-G.
Other names: short protein forms H484Q.
Identifiers: ClinVar variation 4793519 (VCV004793519.1).